The following is an entry in ClinVar:

ClinVar aggregate classification (germline): Conflicting classifications of pathogenicity. Review status: criteria provided, conflicting classifications (1 of 4 stars). 2 submissions from 2 submitters: Uncertain significance (1); Likely benign (1). Last evaluated 2023-03-23.

Conditions:
Hereditary cancer-predisposing syndrome. Also called: Neoplastic Syndromes, Hereditary; Tumor predisposition; Hereditary Cancer Syndrome; Hereditary neoplastic syndrome. Identifiers: Orphanet 140162, MedGen C0027672, MeSH D009386, MONDO:0015356.

Submissions (2):

University of Washington Department of Laboratory Medicine, University of Washington
Classification: Likely benign for Hereditary cancer-predisposing syndrome. Last evaluated: 2023-03-23. Review status: criteria provided, single submitter. Criteria: Dines et al. (Genet Med. 2020). Collection method: curation. Allele origin: germline.
Comment: Missense variant in a coldspot region where missense variants are very unlikely to be pathogenic (PMID:31911673).

BRCA1 coldspot (exon 11 using historical exon numbering). Reclassification based on statistical prior probability

Ambry Genetics
Classification: Uncertain significance for Hereditary cancer-predisposing syndrome. Last evaluated: 2022-04-20. Review status: criteria provided, single submitter. Criteria: Ambry Variant Classification Scheme 2023. Collection method: clinical testing. Allele origin: germline.
Comment: The p.Y655C variant (also known as c.1964A>G), located in coding exon 9 of the BRCA1 gene, results from an A to G substitution at nucleotide position 1964. The tyrosine at codon 655 is replaced by cysteine, an amino acid with highly dissimilar properties. This amino acid position is poorly conserved in available vertebrate species. In addition, the in silico prediction for this alteration is inconclusive. Since supporting evidence is limited at this time, the clinical significance of this alteration remains unclear.

NM_007294.4(BRCA1):c.1964A>G (p.Tyr655Cys)

Gene: BRCA1 (BRCA1 DNA repair associated; minus strand). Cytogenetic location: 17q21.31.
Variant type: single nucleotide variant.
Coding change: c.1964A>G on transcript NM_007294.4 (MANE Select); coding-DNA position 1964, A replaced by G.
Protein change: p.Tyr655Cys; replaces tyrosine 655 with cysteine.
Molecular consequence: missense variant. On other transcripts: intron variant (137).
Genome position (GRCh38, 1-based): chr17:43,093,567, T>C on the plus strand (A>G on the coding strand, the complement: BRCA1 is on the minus strand). VCF-style: chr17-43093567-T-C. GRCh37 (hg19) VCF-style: chr17-41245584-T-C.
Other names: c.1838A>G, p.Tyr613Cys (NM_001407688.1, NM_001407689.1, NM_001407690.1 and 11 more transcripts); c.1823A>G, p.Tyr608Cys (NM_001407692.1, NM_001407694.1, NM_001407695.1 and 29 more transcripts); c.1820A>G, p.Tyr607Cys (NM_001407740.1, NM_001407741.1, NM_001407742.1 and 20 more transcripts); c.1751A>G, p.Tyr584Cys (NM_001407853.1, NM_001407894.1, NM_001407895.1 and 9 more transcripts); c.1964A>G, p.Tyr655Cys (NM_001407854.1, NM_001407858.1, NM_001407859.1 and 30 more transcripts); c.1961A>G, p.Tyr654Cys (NM_001407860.1, NM_001407861.1, NM_001407587.1 and 22 more transcripts); c.1763A>G, p.Tyr588Cys (NM_001407862.1); c.1841A>G, p.Tyr614Cys (NM_001407863.1, NM_001407919.1, NM_001407937.1 and 19 more transcripts); and 40 more; short protein forms Y487C, Y528C, Y543C, Y585C, Y588C, Y607C, Y608C, Y628C.
Identifiers: ClinVar variation 1783490 (VCV001783490.4), dbSNP rs80357193, ClinGen allele CA10598088.
Genomic context (GRCh38, chr17:43,093,567, plus strand): 5'-GCAGGTTCTTTACCTTCCATGAGTTGTAGGTTTCTGCTGTGCCTGACTGGCATTTGGTTG[T>C]ACTTTTTTTTCTTTATCTCTTCACTGCTAGAACAACTATCAATTTGCAATTCAGTACAAT-3'
Protein context (NP_009225.1, residues 645-665): SSSEEIKKKK[Tyr655Cys]NQMPVRHSRN